The following is an entry in ClinVar:

ClinVar aggregate classification (germline): Uncertain significance (1 of 4 stars; one submission).

gnomAD v4.1: 9 of 1,614,156 alleles (0.00056%); highest among the groups gnomAD compares: African/African-American, 0.0013%; no homozygotes.

Submission:

Labcorp Genetics (formerly Invitae), Labcorp
Classification: Uncertain significance. Last evaluated: 2025-05-19. Review status: criteria provided, single submitter. Criteria: Invitae Variant Classification Sherloc (09022015). Collection method: clinical testing. Allele origin: germline.
Comment: This sequence change replaces glycine, which is neutral and non-polar, with arginine, which is basic and polar, at codon 3103 of the SRCAP protein (p.Gly3103Arg). This variant is present in population databases (rs774049834, gnomAD 0.004%). This variant has not been reported in the literature in individuals affected with SRCAP-related conditions. Invitae Evidence Modeling of protein sequence and biophysical properties (such as structural, functional, and spatial information, amino acid conservation, physicochemical variation, residue mobility, and thermodynamic stability) indicates that this missense variant is not expected to disrupt SRCAP protein function with a negative predictive value of 80%. In summary, the available evidence is currently insufficient to determine the role of this variant in disease. Therefore, it has been classified as a Variant of Uncertain Significance.

NM_006662.3(SRCAP):c.9307G>C (p.Gly3103Arg)

Gene: SRCAP (Snf2 related CREBBP activator protein; plus strand). Cytogenetic location: 16p11.2.
Variant type: single nucleotide variant.
Coding change: c.9307G>C on transcript NM_006662.3 (MANE Select); coding-DNA position 9307, G replaced by C.
Protein change: p.Gly3103Arg; replaces glycine 3103 with arginine.
Molecular consequence: missense variant.
Genome position (GRCh38, 1-based): chr16:30,739,347, G>C. VCF-style: chr16-30739347-G-C. GRCh37 (hg19) VCF-style: chr16-30750668-G-C.
Other names: short protein forms G3103R.
Identifiers: ClinVar variation 4751706 (VCV004751706.1).